The following is an entry in ClinVar:

NM_015046.7(SETX):c.1077T>C (p.Tyr359=)

Gene: SETX (senataxin; minus strand). Cytogenetic location: 9q34.13.
Variant type: single nucleotide variant.
Coding change: c.1077T>C on transcript NM_015046.7 (MANE Select); coding-DNA position 1077, T replaced by C.
Protein change: p.Tyr359=; no amino-acid change (tyrosine 359 retained).
Molecular consequence: synonymous variant.
Genome position (GRCh38, 1-based): chr9:132,331,073, A>G on the plus strand (T>C on the coding strand, the complement: SETX is on the minus strand). VCF-style: chr9-132331073-A-G. GRCh37 (hg19) VCF-style: chr9-135206460-A-G.
Other names: p.Tyr359=; c.1077T>C, p.Tyr359= (NM_001351527.2, NM_001351528.2).
Identifiers: ClinVar variation 95658 (VCV000095658.43), dbSNP rs9411449, ClinGen allele CA148704.

ClinVar aggregate classification (germline): Benign. Review status: criteria provided, multiple submitters, no conflicts (2 of 4 stars). 20 submissions from 18 submitters: Benign (13). 7 of the submissions do not count toward it. Last evaluated 2026-02-04.

Conditions:
Amyotrophic lateral sclerosis type 4 (ALS4). Also called: NEURONOPATHY, DISTAL HEREDITARY MOTOR, WITH PYRAMIDAL FEATURES; AMYOTROPHIC LATERAL SCLEROSIS 4, JUVENILE. Identifiers: Orphanet 357043, MedGen C1865409, MONDO:0011223, OMIM 602433.
Spinocerebellar ataxia, autosomal recessive, with axonal neuropathy 2 (SCAN2). Also called: ATAXIA-OCULOMOTOR APRAXIA 2; Ataxia with Oculomotor Apraxia Type 2; Ataxia with Oculomotor Apraxia; Ataxia-ocular apraxia-2. Identifiers: Orphanet 64753, MedGen C1853761, MONDO:0018996, OMIM 606002.

Allele frequency attached by ClinVar (database versions not stated): 1000 Genomes Project 0.62660; 1000 Genomes Project 30x 0.63351; TOPMed 0.74155; ExAC 0.74770; gnomAD 0.74926 and 0.75774; gnomAD exomes 0.75238 and 0.81138; ESP Exome Variant Server 0.77545.
gnomAD v4.1: 1,295,997 of 1,611,662 alleles (80%); highest among the groups gnomAD compares: Non-Finnish European, 85%; 531,185 homozygotes.

Submissions (20):

Labcorp Genetics (formerly Invitae), Labcorp
Classification: Benign for Amyotrophic lateral sclerosis type 4; Spinocerebellar ataxia, autosomal recessive, with axonal neuropathy 2. Last evaluated: 2026-02-04. Review status: criteria provided, single submitter. Criteria: Invitae Variant Classification Sherloc (09022015). Collection method: clinical testing. Allele origin: germline.

Blueprint Genetics
Classification: Benign. Last evaluated: 2024-11-27. Review status: criteria provided, single submitter. Criteria: ACMG Guidelines, 2015. Collection method: clinical testing. Allele origin: germline.

Genome-Nilou Lab
Classification: Benign for Amyotrophic lateral sclerosis type 4. Last evaluated: 2021-07-15. Review status: criteria provided, single submitter. Criteria: ACMG Guidelines, 2015. Collection method: clinical testing. Allele origin: germline. Affected: no.

Genome-Nilou Lab
Classification: Benign for Spinocerebellar ataxia, autosomal recessive, with axonal neuropathy 2. Last evaluated: 2021-07-15. Review status: criteria provided, single submitter. Criteria: ACMG Guidelines, 2015. Collection method: clinical testing. Allele origin: germline. Affected: no.

GeneDx
Classification: Benign. Last evaluated: 2018-07-05. Review status: criteria provided, single submitter. Criteria: GeneDx Variant Classification Process June 2021. Collection method: clinical testing. Allele origin: germline. Affected: yes.

Illumina Laboratory Services, Illumina
Classification: Benign for Spinocerebellar ataxia, autosomal recessive, with axonal neuropathy 2. Last evaluated: 2018-01-12. Review status: criteria provided, single submitter. Criteria: ICSL Variant Classification Criteria 13 December 2019. Collection method: clinical testing. Allele origin: germline.
Comment: This variant was observed in the ICSL laboratory as part of a predisposition screen in an ostensibly healthy population. It had not been previously curated by ICSL or reported in the Human Gene Mutation Database (HGMD: prior to June 1st, 2018), and was therefore a candidate for classification through an automated scoring system. Utilizing variant allele frequency, disease prevalence and penetrance estimates, and inheritance mode, an automated score was calculated to assess if this variant is too frequent to cause the disease. Based on the score and internal cut-off values, a variant classified as benign is not then subjected to further curation. The score for this variant resulted in a classification of benign for this disease.

Illumina Laboratory Services, Illumina
Classification: Benign for Amyotrophic lateral sclerosis type 4. Last evaluated: 2018-01-12. Review status: criteria provided, single submitter. Criteria: ICSL Variant Classification Criteria 13 December 2019. Collection method: clinical testing. Allele origin: germline.
Comment: the same text as in the submission from Illumina Laboratory Services, Illumina above.

Athena Diagnostics
Classification: Benign. Last evaluated: 2017-04-12. Review status: criteria provided, single submitter. Criteria: Athena Diagnostics Criteria. Collection method: clinical testing. Allele origin: germline.

Laboratory for Molecular Medicine, Mass General Brigham Personalized Medicine
Classification: Benign. Last evaluated: 2016-03-29. Review status: criteria provided, single submitter. Criteria: LMM Criteria. Collection method: clinical testing. Allele origin: germline.
Comment: Variant identified in a genome or exome case(s) and assessed due to predicted null impact of the variant or pathogenic assertions in the literature or databases. Disclaimer: This variant has not undergone full assessment. The following are preliminary notes: Frequency, 2 labs classify as benign/LB in clinvar

Mayo Clinic Laboratories, Mayo Clinic
Classification: Benign. Last evaluated: 2015-09-01. Review status: criteria provided, single submitter. Criteria: ACMG Guidelines, 2015. Collection method: clinical testing. Allele origin: germline. Observed: 2,581 variant alleles.

Eurofins Ntd Llc (ga)
Classification: Benign. Last evaluated: 2013-07-24. Review status: criteria provided, single submitter. Criteria: EGL Classification Definitions 2015. Collection method: clinical testing. Allele origin: germline. Observed: 7 variant alleles, 1 heterozygote, 6 homozygotes.

Breakthrough Genomics
Classification: Benign. Review status: criteria provided, single submitter. Criteria: ACMG Guidelines, 2015. Collection method: not provided. Allele origin: germline. Inheritance: Autosomal recessive inheritance. Affected: yes.

PreventionGenetics, part of Exact Sciences
Classification: Benign. Review status: criteria provided, single submitter. Criteria: ACMG Guidelines, 2015. Collection method: clinical testing. Allele origin: germline.

Clinical Genetics DNA and cytogenetics Diagnostics Lab, Erasmus MC, Erasmus Medical Center
Classification: Benign. Review status: no assertion criteria provided. Collection method: clinical testing. Allele origin: germline. Affected: yes. Study: VKGL Data-share Consensus. Not counted in ClinVar's aggregate classification.

Clinical Genetics, Academic Medical Center
Classification: Benign. Review status: no assertion criteria provided. Collection method: clinical testing. Allele origin: germline. Affected: yes. Study: VKGL Data-share Consensus. Not counted in ClinVar's aggregate classification.

Diagnostic Laboratory, Department of Genetics, University Medical Center Groningen
Classification: Benign. Review status: no assertion criteria provided. Collection method: clinical testing. Allele origin: germline. Affected: yes. Study: VKGL Data-share Consensus. Not counted in ClinVar's aggregate classification.

Genetic Services Laboratory, University of Chicago
Classification: Likely benign for AllHighlyPenetrant. Review status: no assertion criteria provided. Collection method: clinical testing. Allele origin: germline. Not counted in ClinVar's aggregate classification.
Comment: Likely benign based on allele frequency in 1000 Genomes Project or ESP global frequency and its presence in a patient with a rare or unrelated disease phenotype. NOT Sanger confirmed.

Genome Diagnostics Laboratory, Amsterdam University Medical Center
Classification: Benign. Review status: no assertion criteria provided. Collection method: clinical testing. Allele origin: germline. Affected: yes. Study: VKGL Data-share Consensus. Not counted in ClinVar's aggregate classification.

Genome Diagnostics Laboratory, University Medical Center Utrecht
Classification: Benign. Review status: no assertion criteria provided. Collection method: clinical testing. Allele origin: germline. Affected: yes. Study: VKGL Data-share Consensus. Not counted in ClinVar's aggregate classification.

Joint Genome Diagnostic Labs from Nijmegen and Maastricht, Radboudumc and MUMC+
Classification: Benign. Review status: no assertion criteria provided. Collection method: clinical testing. Allele origin: germline. Affected: yes. Study: VKGL Data-share Consensus. Not counted in ClinVar's aggregate classification.